The following is an entry in ClinVar:

ClinVar aggregate classification (germline): Pathogenic (1 of 4 stars; one submission).

Conditions:
Neurofibromatosis, type 1 (NF1). Also called: VON RECKLINGHAUSEN DISEASE; NEUROFIBROMATOSIS, TYPE I, SOMATIC; Peripheral type neurofibromatosis; Neurofibromatosis, type I. Identifiers: Orphanet 636, MedGen C0027831, MONDO:0018975, OMIM 162200. Disease mechanism: loss of function.

Submission:

Labcorp Genetics (formerly Invitae), Labcorp
Classification: Pathogenic for Neurofibromatosis, type 1. Last evaluated: 2019-06-29. Review status: criteria provided, single submitter. Criteria: Invitae Variant Classification Sherloc (09022015). Collection method: clinical testing. Allele origin: germline.
Comment: This variant has not been reported in the literature in individuals with NF1-related conditions. This sequence change creates a premature translational stop signal (p.Asp1091Argfs*15) in the NF1 gene. It is expected to result in an absent or disrupted protein product. This variant is not present in population databases (ExAC no frequency). Loss-of-function variants in NF1 are known to be pathogenic (PMID: 10712197, 23913538). For these reasons, this variant has been classified as Pathogenic.

Literature cited by the submitters: PubMed 10712197; PubMed 23913538.

NM_001042492.3(NF1):c.3270_3271insC (p.Asp1091fs)

Gene: NF1 (neurofibromin 1; plus strand). Cytogenetic location: 17q11.2.
Variant type: Insertion.
Coding change: c.3270_3271insC on transcript NM_001042492.3 (MANE Select); coding-DNA positions 3270 to 3271, C inserted.
Protein change: p.Asp1091fs; shifts the reading frame from aspartic acid 1091.
Molecular consequence: frameshift variant.
Genome position: GRCh38 VCF-style: chr17-31232145-A-AC. GRCh37 (hg19) VCF-style: chr17-29559163-A-AC.
Other names: c.3270_3271insC, p.Asp1091Argfs (NM_000267.4); short protein forms D1091fs.
Identifiers: ClinVar variation 950403 (VCV000950403.6), dbSNP rs2067123721, ClinGen allele CA1139665334.